The following is an entry in ClinVar:

ClinVar aggregate classification (germline): Uncertain significance (1 of 4 stars; one submission).

Conditions:
Granulomatous disease, chronic, autosomal recessive, cytochrome b-negative. Also called: CYBA DEFICIENCY; CGD DUE TO DEFICIENCY OF THE ALPHA SUBUNIT OF CYTOCHROME b; CGD, AUTOSOMAL RECESSIVE CYTOCHROME b-NEGATIVE; GRANULOMATOUS DISEASE, CHRONIC, AUTOSOMAL RECESSIVE, 4; Chronic granulomatous disease, autosomal, due to deficiency of CYBA. Identifiers: Orphanet 379, MedGen C1856255, MONDO:0009308, OMIM 233690.

Submission:

Labcorp Genetics (formerly Invitae), Labcorp
Classification: Uncertain significance for Granulomatous disease, chronic, autosomal recessive, cytochrome b-negative. Last evaluated: 2023-10-13. Review status: criteria provided, single submitter. Criteria: Invitae Variant Classification Sherloc (09022015). Collection method: clinical testing. Allele origin: germline.
Comment: This sequence change creates a premature translational stop signal (p.Pro160Alafs*27) in the CYBA gene. While this is not anticipated to result in nonsense mediated decay, it is expected to disrupt the last 36 amino acid(s) of the CYBA protein. This variant is not present in population databases (gnomAD no frequency). This premature translational stop signal has been observed in individual(s) with chronic granulomatous disease (PMID: 20167518). ClinVar contains an entry for this variant (Variation ID: 1466393). This variant disrupts the C-terminus of the CYBA protein. Other variant(s) that disrupt this region (p.Lys166Argfs*17) have been observed in individuals with CYBA-related conditions (PMID: 30716179). This suggests that this may be a clinically significant region of the protein. In summary, the available evidence is currently insufficient to determine the role of this variant in disease. Therefore, it has been classified as a Variant of Uncertain Significance.

Literature cited by the submitters: PubMed 20167518; PubMed 30716179.

NM_000101.4(CYBA):c.478_490del (p.Pro160fs)

Gene: CYBA (cytochrome b-245 alpha chain; minus strand). Cytogenetic location: 16q24.2.
Variant type: Deletion.
Coding change: c.478_490del on transcript NM_000101.4 (MANE Select); coding-DNA positions 478 to 490, 13 bases deleted (CCGGCCGAGGCCC).
Protein change: p.Pro160fs; shifts the reading frame from proline 160.
Molecular consequence: frameshift variant.
Genome position (GRCh38, 1-based): chr16:88,643,451-88,643,463, GGGCCTCGGCCGG deleted on the plus strand (CCGGCCGAGGCCC on the coding strand, the reverse complement: CYBA is on the minus strand); deleting any 13 consecutive bases within chr16:88,643,451-88,643,468 gives the same sequence; the c. name uses the placement nearest the transcript's 3' end. VCF-style (leftmost placement, unchanged base first): chr16-88643450-CGGGCCTCGGCCGG-C. GRCh37 (hg19) VCF-style: chr16-88709858-CGGGCCTCGGCCGG-C.
Other names: short protein forms P160fs.
Identifiers: ClinVar variation 1466393 (VCV001466393.6), dbSNP rs2142869698, ClinGen allele CA2573152841.